The following is an entry in ClinVar:

NM_001130438.3(SPTAN1):c.2012-146T>C

Gene: SPTAN1 (spectrin alpha, non-erythrocytic 1; plus strand). Cytogenetic location: 9q34.11.
Variant type: single nucleotide variant.
Coding change: c.2012-146T>C on transcript NM_001130438.3 (MANE Select); 146 bases into the intron before coding-DNA position 2012, T replaced by C.
Molecular consequence: intron variant.
Genome position (GRCh38, 1-based): chr9:128,583,642, T>C. VCF-style: chr9-128583642-T-C. GRCh37 (hg19) VCF-style: chr9-131345921-T-C.
Other names: c.2012-146T>C (NM_001363759.2, NM_003127.4, NM_001363765.2 and 1 more transcripts).
Identifiers: ClinVar variation 677436 (VCV000677436.2), dbSNP rs78064656, ClinGen allele CA200379857.
Genomic context (GRCh38, chr9:128,583,642, plus strand): 5'-ATCTCAAGGGGGTTAGAATGCTTCCAGTTCAACCTTGAGAAGGTAGAGCAGAGGCTGCAA[T>C]TGATATTTTCTTTCTCTTTGTGACATAAGTGAAGGAATAAAATTCTGACCTGTATAGTCC-3'

ClinVar aggregate classification (germline): Benign. Review status: criteria provided, multiple submitters, no conflicts (2 of 4 stars). 2 submissions from 2 submitters: Benign (2). Last evaluated 2018-06-14.

Allele frequency attached by ClinVar (database versions not stated): gnomAD 0.02240 and 0.02432; 1000 Genomes Project 0.02256; TOPMed 0.02555; 1000 Genomes Project 30x 0.02561.
gnomAD v4.1: 5,357 of 880,122 alleles (0.61%); highest among the groups gnomAD compares: African/African-American, 7.9%; 178 homozygotes.

Submissions (2):

GeneDx
Classification: Benign. Last evaluated: 2018-06-14. Review status: criteria provided, single submitter. Criteria: GeneDx Variant Classification (06012015). Collection method: clinical testing. Allele origin: germline. Affected: yes.
Comment: This variant is considered likely benign or benign based on one or more of the following criteria: it is a conservative change, it occurs at a poorly conserved position in the protein, it is predicted to be benign by multiple in silico algorithms, and/or has population frequency not consistent with disease.

Breakthrough Genomics
Classification: Benign. Review status: criteria provided, single submitter. Criteria: ACMG Guidelines, 2015. Collection method: not provided. Allele origin: germline. Inheritance: Autosomal dominant inheritance. Affected: yes.